The following is an entry in ClinVar:

ClinVar aggregate classification (germline): Uncertain significance (1 of 4 stars; one submission).

Submission:

Labcorp Genetics (formerly Invitae), Labcorp
Classification: Uncertain significance. Last evaluated: 2023-07-28. Review status: criteria provided, single submitter. Criteria: Invitae Variant Classification Sherloc (09022015). Collection method: clinical testing. Allele origin: germline.
Comment: In summary, the available evidence is currently insufficient to determine the role of this variant in disease. Therefore, it has been classified as a Variant of Uncertain Significance. Advanced modeling of protein sequence and biophysical properties (such as structural, functional, and spatial information, amino acid conservation, physicochemical variation, residue mobility, and thermodynamic stability) performed at Invitae indicates that this missense variant is not expected to disrupt OPA1 protein function. This variant has not been reported in the literature in individuals affected with OPA1-related conditions. This variant is not present in population databases (gnomAD no frequency). This sequence change replaces aspartic acid, which is acidic and polar, with glycine, which is neutral and non-polar, at codon 876 of the OPA1 protein (p.Asp876Gly).

NM_130837.3(OPA1):c.2792A>G (p.Asp931Gly)

Gene: OPA1 (OPA1 mitochondrial dynamin like GTPase; plus strand). Cytogenetic location: 3q29.
Variant type: single nucleotide variant.
Coding change: c.2792A>G on transcript NM_130837.3 (MANE Select); coding-DNA position 2792, A replaced by G.
Protein change: p.Asp931Gly; replaces aspartic acid 931 with glycine.
Molecular consequence: missense variant.
Genome position (GRCh38, 1-based): chr3:193,666,309, A>G. VCF-style: chr3-193666309-A-G. GRCh37 (hg19) VCF-style: chr3-193384098-A-G.
Other names: c.2258A>G, p.Asp753Gly (NM_001354663.2); c.2255A>G, p.Asp752Gly (NM_001354664.2); c.2627A>G, p.Asp876Gly (NM_015560.3); c.2519A>G, p.Asp840Gly (NM_130831.3); c.2573A>G, p.Asp858Gly (NM_130832.3); c.2630A>G, p.Asp877Gly (NM_130833.3); c.2681A>G, p.Asp894Gly (NM_130834.3); c.2684A>G, p.Asp895Gly (NM_130835.3); and 1 more; short protein forms D753G, D876G, D877G, D895G, D913G, D931G, D840G, D858G.
Identifiers: ClinVar variation 2747973 (VCV002747973.3), dbSNP rs2475189541, ClinGen allele CA355796202.